The following is an entry in ClinVar:

ClinVar aggregate classification (germline): Likely benign. Review status: criteria provided, single submitter (1 of 4 stars). 2 submissions from 2 submitters: Likely benign (1). 1 of the submissions does not count toward it. Last evaluated 2026-05-21.

Conditions:
Cardiovascular phenotype. Identifiers: MedGen CN230736.
ABCC9-related disorder. Also called: ABCC9-related disorders; ABCC9-related condition.

Submissions (2):

Ambry Genetics
Classification: Likely benign for Cardiovascular phenotype. Last evaluated: 2026-05-21. Review status: criteria provided, single submitter. Criteria: Ambry Variant Classification Scheme 2023. Collection method: clinical testing. Allele origin: germline.

PreventionGenetics, part of Exact Sciences
Classification: Likely benign for ABCC9-related condition. Last evaluated: 2024-06-19. Review status: no assertion criteria provided. Collection method: clinical testing. Allele origin: germline. Not counted in ClinVar's aggregate classification.
Comment: This variant is classified as likely benign based on ACMG/AMP sequence variant interpretation guidelines (Richards et al. 2015 PMID: 25741868, with internal and published modifications).

NM_020297.4(ABCC9):c.4512+689C>T

Genes: KCNJ8-AS1 (KCNJ8 antisense RNA 1; plus strand), ABCC9 (ATP binding cassette subfamily C member 9; minus strand). Cytogenetic location: 12p12.1.
Variant type: single nucleotide variant.
Coding change: c.4512+689C>T on transcript NM_020297.4 (MANE Select); 689 bases into the intron after coding-DNA position 4512, C replaced by T.
Molecular consequence: intron variant. On other transcripts: synonymous variant (1).
Genome position (GRCh38, 1-based): chr12:21,805,309, G>A on the plus strand (C>T on the coding strand, the complement: ABCC9 is on the minus strand). VCF-style: chr12-21805309-G-A. GRCh37 (hg19) VCF-style: chr12-21958243-G-A.
Other names: c.4515C>T, p.His1505= (NM_005691.4); c.3645+689C>T (NM_001377274.1); c.4512+689C>T (NM_001377273.1).
Identifiers: ClinVar variation 3348056 (VCV003348056.2).